The following is an entry in ClinVar:

NM_001040716.2(PC):c.2026G>A (p.Val676Met)

Gene: PC (pyruvate carboxylase; minus strand). Cytogenetic location: 11q13.2.
Variant type: single nucleotide variant.
Coding change: c.2026G>A on transcript NM_001040716.2 (MANE Select); coding-DNA position 2026, G replaced by A.
Protein change: p.Val676Met; replaces valine 676 with methionine.
Molecular consequence: missense variant.
Genome position (GRCh38, 1-based): chr11:66,851,237, C>T on the plus strand (G>A on the coding strand, the complement: PC is on the minus strand). VCF-style: chr11-66851237-C-T. GRCh37 (hg19) VCF-style: chr11-66618708-C-T.
Other names: c.2026G>A, p.Val676Met (NM_000920.4, NM_022172.3); short protein forms V676M.
Identifiers: ClinVar variation 1949022 (VCV001949022.5), dbSNP rs947468043, ClinGen allele CA224123113.

ClinVar aggregate classification (germline): Uncertain significance (1 of 4 stars; one submission).

Conditions:
Pyruvate carboxylase deficiency. Also called: Pyruvate Carboxylase Deficiency Disease; LEIGH NECROTIZING ENCEPHALOPATHY DUE TO PYRUVATE CARBOXYLASE DEFICIENCY; LEIGH SYNDROME DUE TO PYRUVATE CARBOXYLASE DEFICIENCY; PC DEFICIENCY; ATAXIA WITH LACTIC ACIDOSIS II. Identifiers: Orphanet 3008, MedGen C0034341, MONDO:0009949, OMIM 266150.

Submission:

Labcorp Genetics (formerly Invitae), Labcorp
Classification: Uncertain significance for Pyruvate carboxylase deficiency. Last evaluated: 2025-10-01. Review status: criteria provided, single submitter. Criteria: Invitae Variant Classification Sherloc (09022015). Collection method: clinical testing. Allele origin: germline.
Comment: This sequence change replaces valine, which is neutral and non-polar, with methionine, which is neutral and non-polar, at codon 676 of the PC protein (p.Val676Met). This variant is not present in population databases (gnomAD no frequency). This variant has not been reported in the literature in individuals affected with PC-related conditions. ClinVar contains an entry for this variant (Variation ID: 1949022). Invitae Evidence Modeling of protein sequence and biophysical properties (such as structural, functional, and spatial information, amino acid conservation, physicochemical variation, residue mobility, and thermodynamic stability) indicates that this missense variant is expected to disrupt PC protein function with a positive predictive value of 95%. In summary, the available evidence is currently insufficient to determine the role of this variant in disease. Therefore, it has been classified as a Variant of Uncertain Significance.